The following is an entry in ClinVar:

ClinVar aggregate classification (germline): Uncertain significance (1 of 4 stars; one submission).

Conditions:
Hereditary cancer-predisposing syndrome. Also called: Neoplastic Syndromes, Hereditary; Tumor predisposition; Hereditary Cancer Syndrome; Hereditary neoplastic syndrome. Identifiers: Orphanet 140162, MedGen C0027672, MeSH D009386, MONDO:0015356.

Submission:

Ambry Genetics
Classification: Uncertain significance for Hereditary cancer-predisposing syndrome. Last evaluated: 2026-03-23. Review status: criteria provided, single submitter. Criteria: Ambry Variant Classification Scheme 2023. Collection method: clinical testing. Allele origin: germline.
Comment: The p.M136L variant (also known as c.406A>T) is located in coding exon 6 of the SDHC gene. The methionine at codon 136 is replaced by leucine, an amino acid with highly similar properties. This change occurs in the first base pair of coding exon 6. This amino acid position is conserved. In addition, this alteration is predicted to be deleterious by in silico analysis. Based on the available evidence, the clinical significance of this variant remains unclear.

NM_003001.5(SDHC):c.406A>T (p.Met136Leu)

Gene: SDHC (succinate dehydrogenase complex subunit C; plus strand). Cytogenetic location: 1q23.3.
Variant type: single nucleotide variant.
Coding change: c.406A>T on transcript NM_003001.5 (MANE Select); coding-DNA position 406, A replaced by T.
Protein change: p.Met136Leu; replaces methionine 136 with leucine.
Molecular consequence: missense variant. On other transcripts: non-coding transcript variant (1).
Genome position (GRCh38, 1-based): chr1:161,362,329, A>T. VCF-style: chr1-161362329-A-T. GRCh37 (hg19) VCF-style: chr1-161332119-A-T.
Other names: c.140A>T, p.Asp47Val (NM_001278172.3); c.526A>T, p.Met176Leu (NM_001407115.1); c.349A>T, p.Met117Leu (NM_001407116.1); c.343A>T, p.Met115Leu (NM_001407117.1); c.298A>T, p.Met100Leu (NM_001407118.1); c.295A>T, p.Met99Leu (NM_001407119.1, NM_001407120.1); c.185A>T, p.Asp62Val (NM_001407121.1); c.242A>T, p.Asp81Val (NM_001035511.3); and 2 more; short protein forms D47V, D62V, D81V, M100L, M102L, M115L, M117L, M136L.
Identifiers: ClinVar variation 4864275 (VCV004864275.1).